The following is an entry in ClinVar:

NM_001104631.2(PDE4D):c.*3588A>C

Gene: PDE4D (phosphodiesterase 4D; minus strand). Cytogenetic location: 5q11.2.
Variant type: single nucleotide variant.
Coding change: c.*3588A>C on transcript NM_001104631.2 (MANE Select); 3588 bases downstream of the stop codon, A replaced by C.
Molecular consequence: 3 prime UTR variant.
Genome position (GRCh38, 1-based): chr5:58,971,076, T>G on the plus strand (A>C on the coding strand, the complement: PDE4D is on the minus strand). VCF-style: chr5-58971076-T-G. GRCh37 (hg19) VCF-style: chr5-58266903-T-G.
Other names: c.*3588A>C (NM_001165899.2, NM_001197218.2, NM_001197219.2 and 11 more transcripts).
Identifiers: ClinVar variation 353930 (VCV000353930.5), dbSNP rs547764520, ClinGen allele CA10622031.
Genomic context (GRCh38, chr5:58,971,076, plus strand): 5'-ACTTAAGAGCTTCTGTCTCAAAAGGGTCTCAGAATCTTTCAGAGGTTGTCTGTGGTTTTG[T>G]AAAATCCACCTATTGGCAGAATTCTAATCAATTAAAAGCCTGGATGTAAAATGCCCAGCC-3'

ClinVar aggregate classification (germline): Benign (1 of 4 stars; one submission).

Conditions:
Acrodysostosis 2 with or without hormone resistance. Also called: ACRODYSOSTOSIS 2 WITH HORMONE RESISTANCE; ACRODYSOSTOSIS 2 WITHOUT HORMONE RESISTANCE. Identifiers: Orphanet 280651, MedGen C3553250, MONDO:0013822, OMIM 614613.

Allele frequency attached by ClinVar (database versions not stated): gnomAD 0.00026 and 0.00027; 1000 Genomes Project 0.00040; TOPMed 0.00044; 1000 Genomes Project 30x 0.00047.

Submission:

Illumina Laboratory Services, Illumina
Classification: Benign for Acrodysostosis 2 with or without hormone resistance. Last evaluated: 2018-01-12. Review status: criteria provided, single submitter. Criteria: ICSL Variant Classification Criteria 13 December 2019. Collection method: clinical testing. Allele origin: germline.
Comment: This variant was observed in the ICSL laboratory as part of a predisposition screen in an ostensibly healthy population. It had not been previously curated by ICSL or reported in the Human Gene Mutation Database (HGMD: prior to June 1st, 2018), and was therefore a candidate for classification through an automated scoring system. Utilizing variant allele frequency, disease prevalence and penetrance estimates, and inheritance mode, an automated score was calculated to assess if this variant is too frequent to cause the disease. Based on the score and internal cut-off values, a variant classified as benign is not then subjected to further curation. The score for this variant resulted in a classification of benign for this disease.